The following is an entry in ClinVar:

NM_133433.4(NIPBL):c.3532C>T (p.Gln1178Ter)

Gene: NIPBL (NIPBL cohesin loading factor; plus strand). Cytogenetic location: 5p13.2.
Variant type: single nucleotide variant.
Coding change: c.3532C>T on transcript NM_133433.4 (MANE Select); coding-DNA position 3532, C replaced by T.
Protein change: p.Gln1178Ter; replaces glutamine 1178 with a stop codon.
Molecular consequence: nonsense.
Genome position (GRCh38, 1-based): chr5:37,000,846, C>T. VCF-style: chr5-37000846-C-T. GRCh37 (hg19) VCF-style: chr5-37000948-C-T.
Other names: c.3532C>T, p.Gln1178Ter (NM_001438586.1, NM_015384.5); short protein forms Q1178*.
Identifiers: ClinVar variation 4813423 (VCV004813423.1).

ClinVar aggregate classification (germline): Likely pathogenic (1 of 4 stars; one submission).

Conditions:
Cornelia de Lange syndrome 1 (CDLS1). Also called: Brachmann de Lange syndrome; NIPBL-Related Cornelia de Lange Syndrome; TYPUS DEGENERATIVUS AMSTELODAMENSIS. Identifiers: Orphanet 199, MedGen C4551851, MONDO:0007387, OMIM 122470.

Submission:

MVZ Praenatalmedizin und Genetik Nuernberg
Classification: Likely pathogenic for Cornelia de Lange syndrome 1. Last evaluated: 2023-04-19. Review status: criteria provided, single submitter. Criteria: ACMG Guidelines, 2015. Collection method: clinical testing. Allele origin: de novo. Affected: yes.
Comment: The variant has not been detected in gnomADv2.1.1 and is therefore a very rare variant. Although it has not yet been described in the ClinVar database, it leads to a premature stop codon in exon 13. Furthermore, more terminal truncating variants are listed as pathogenic by several submitters in the ClinVar database, but a final assessment by a panel of experts is not yet available. For the NIPBL gene, loss of function is known to be the disease-causing mechanism in Cornelia de Lange syndrome (Genereviews, PMID:20301283). Overall, we classify the variant found in the fetus in NIPBL (c.3532C>T|p.(Gln1178*)) as likely pathogenic.

Literature cited by the submitters: PubMed 20301283.